The following is an entry in ClinVar:

ClinVar aggregate classification (germline): Uncertain significance. Review status: criteria provided, multiple submitters, no conflicts (2 of 4 stars). 2 submissions from 2 submitters: Uncertain significance (2). Last evaluated 2024-10-29.

Conditions:
Mucopolysaccharidosis, MPS-IV-A (MPS4A). Also called: Morquio syndrome A, mild; Mucopolysaccharidosis type IV A; MORQUIO A DISEASE; mucopolysaccharidosis type 4A; MPS IVA; MORQUIO SYNDROME A. Identifiers: Orphanet 309297, Orphanet 582, MedGen C0086651, MONDO:0009659, OMIM 253000.

Allele frequency attached by ClinVar (database versions not stated): gnomAD 0.00003; gnomAD exomes 0.00005; ExAC 0.00006; ESP Exome Variant Server 0.00008.
gnomAD v4.1: 71 of 1,613,108 alleles (0.0044%); highest among the groups gnomAD compares: South Asian, 0.011%; no homozygotes.

Submissions (2):

Labcorp Genetics (formerly Invitae), Labcorp
Classification: Uncertain significance for Mucopolysaccharidosis, MPS-IV-A. Last evaluated: 2024-10-29. Review status: criteria provided, single submitter. Criteria: Invitae Variant Classification Sherloc (09022015). Collection method: clinical testing. Allele origin: germline.
Comment: This sequence change replaces proline, which is neutral and non-polar, with leucine, which is neutral and non-polar, at codon 57 of the GALNS protein (p.Pro57Leu). This variant is present in population databases (rs148197417, gnomAD 0.007%). This variant has not been reported in the literature in individuals affected with GALNS-related conditions. ClinVar contains an entry for this variant (Variation ID: 2050446). Invitae Evidence Modeling of protein sequence and biophysical properties (such as structural, functional, and spatial information, amino acid conservation, physicochemical variation, residue mobility, and thermodynamic stability) indicates that this missense variant is expected to disrupt GALNS protein function with a positive predictive value of 95%. In summary, the available evidence is currently insufficient to determine the role of this variant in disease. Therefore, it has been classified as a Variant of Uncertain Significance.

Blueprint Genetics
Classification: Uncertain significance. Last evaluated: 2024-09-02. Review status: criteria provided, single submitter. Criteria: ACMG Guidelines, 2015. Collection method: clinical testing. Allele origin: germline.

NM_000512.5(GALNS):c.170C>T (p.Pro57Leu)

Gene: GALNS (galactosamine (N-acetyl)-6-sulfatase; minus strand). Cytogenetic location: 16q24.3.
Variant type: single nucleotide variant.
Coding change: c.170C>T on transcript NM_000512.5 (MANE Select); coding-DNA position 170, C replaced by T.
Protein change: p.Pro57Leu; replaces proline 57 with leucine.
Molecular consequence: missense variant. On other transcripts: intron variant (1).
Genome position (GRCh38, 1-based): chr16:88,842,780, G>A on the plus strand (C>T on the coding strand, the complement: GALNS is on the minus strand). VCF-style: chr16-88842780-G-A. GRCh37 (hg19) VCF-style: chr16-88909188-G-A.
Other names: c.188C>T, p.Pro63Leu (NM_001323544.2); c.-311-809C>T (NM_001323543.2); short protein forms P57L, P63L.
Identifiers: ClinVar variation 2050446 (VCV002050446.3), dbSNP rs148197417, ClinGen allele CA8235269.